The following is an entry in ClinVar:

ClinVar aggregate classification (germline): Pathogenic (1 of 4 stars; one submission).

Conditions:
Combined oxidative phosphorylation defect type 11. Also called: ENCEPHALONEUROMYOPATHY, INFANTILE, DUE TO MITOCHONDRIAL TRANSLATION DEFECT; Combined oxidative phosphorylation deficiency 11. Identifiers: Orphanet 324535, MedGen C5190991, MONDO:0013969, OMIM 614922.

Submission:

Gharavi Laboratory, Columbia University
Classification: Pathogenic for Combined oxidative phosphorylation deficiency 11. Last evaluated: 2024-11-05. Review status: criteria provided, single submitter. Criteria: ACMG Guidelines, 2015. Collection method: case-control. Allele origin: germline. Affected: yes.
Comment: Compound heterozygote with NM_017909.4:c.485delC

ENST00000336451

NM_017909.4(RMND1):c.80A>G (p.His27Arg)

Gene: RMND1 (required for meiotic nuclear division 1 homolog; minus strand). Cytogenetic location: 6q25.1.
Variant type: single nucleotide variant.
Coding change: c.80A>G on transcript NM_017909.4 (MANE Select); coding-DNA position 80, A replaced by G.
Protein change: p.His27Arg; replaces histidine 27 with arginine.
Molecular consequence: missense variant. On other transcripts: intron variant (1).
Genome position (GRCh38, 1-based): chr6:151,445,732, T>C on the plus strand (A>G on the coding strand, the complement: RMND1 is on the minus strand). VCF-style: chr6-151445732-T-C. GRCh37 (hg19) VCF-style: chr6-151766867-T-C.
Other names: c.-7+6284A>G (NM_001271937.2); short protein forms H27R.
Identifiers: ClinVar variation 3899971 (VCV003899971.1).